The following is an entry in ClinVar:

NM_001037132.4(NRCAM):c.2668A>G (p.Ser890Gly)

Gene: NRCAM (neuronal cell adhesion molecule; minus strand). Cytogenetic location: 7q31.1.
Variant type: single nucleotide variant.
Coding change: c.2668A>G on transcript NM_001037132.4 (MANE Select); coding-DNA position 2668, A replaced by G.
Protein change: p.Ser890Gly; replaces serine 890 with glycine.
Molecular consequence: missense variant. On other transcripts: non-coding transcript variant (5).
Genome position (GRCh38, 1-based): chr7:108,180,406, T>C on the plus strand (A>G on the coding strand, the complement: NRCAM is on the minus strand). VCF-style: chr7-108180406-T-C. GRCh37 (hg19) VCF-style: chr7-107820850-T-C.
Other names: c.2323A>G, p.Ser775Gly (NM_001371125.1, NM_001371147.1, NM_001371164.1 and 2 more transcripts); c.2611A>G, p.Ser871Gly (NM_001371126.1, NM_001371129.1, NM_001371132.1 and 22 more transcripts); c.2665A>G, p.Ser889Gly (NM_001371127.1); c.2668A>G, p.Ser890Gly (NM_001371128.1, NM_001371131.1, NM_001193582.2 and 10 more transcripts); c.2620A>G, p.Ser874Gly (NM_001371130.1, NM_001371133.1, NM_001371151.1 and 8 more transcripts); c.2350A>G, p.Ser784Gly (NM_001371148.1, NM_001371170.1, NM_001371179.1 and 1 more transcripts); c.2638A>G, p.Ser880Gly (NM_001371150.1, NM_001371159.1, NM_001371174.1); c.2563A>G, p.Ser855Gly (NM_001371182.1); and 3 more; short protein forms S571G, S775G, S784G, S855G, S871G, S873G, S874G, S880G.
Identifiers: ClinVar variation 4874963 (VCV004874963.2).

ClinVar aggregate classification (germline): Uncertain significance (1 of 4 stars; one submission).

Submission:

CeGaT Center for Human Genetics Tuebingen
Classification: Uncertain significance. Last evaluated: 2026-05-01. Review status: criteria provided, single submitter. Criteria: CeGaT Center For Human Genetics Tuebingen Variant Classification Criteria Version 2. Collection method: clinical testing. Allele origin: germline. Affected: yes. Observed: 1 variant allele.
Comment: NRCAM: PM2, BP4